The following is an entry in ClinVar:

NM_000179.3(MSH6):c.2136G>A (p.Leu712=)

Gene: MSH6 (mutS homolog 6; plus strand). Cytogenetic location: 2p16.3.
Variant type: single nucleotide variant.
Coding change: c.2136G>A on transcript NM_000179.3 (MANE Select); coding-DNA position 2136, G replaced by A.
Protein change: p.Leu712=; no amino-acid change (leucine 712 retained).
Molecular consequence: synonymous variant. On other transcripts: non-coding transcript variant (5), intron variant (2).
Genome position (GRCh38, 1-based): chr2:47,800,119, G>A. VCF-style: chr2-47800119-G-A. GRCh37 (hg19) VCF-style: chr2-48027258-G-A.
Other names: c.1746G>A, p.Leu582= (NM_001281492.2); c.1230G>A, p.Leu410= (NM_001281493.2, NM_001281494.2, NM_001406811.1 and 6 more transcripts); c.2232G>A, p.Leu744= (NM_001406795.1, NM_001406802.1); c.2136G>A, p.Leu712= (NM_001406796.1, NM_001406798.1, NM_001406800.1 and 3 more transcripts); c.1839G>A, p.Leu613= (NM_001406797.1, NM_001406801.1, NM_001406805.1 and 10 more transcripts); c.1611G>A, p.Leu537= (NM_001406799.1, NM_001406806.1, NM_001406807.1); c.2058G>A, p.Leu686= (NM_001406804.1); c.2142G>A, p.Leu714= (NM_001406813.1); and 3 more.
Identifiers: ClinVar variation 1786484 (VCV001786484.3), dbSNP rs2104390457, ClinGen allele CA426121571.
Genomic context (GRCh38, chr2:47,800,119, plus strand): 5'-AAAATGCCTTATTGATCAGGAGCTTTTATCAATGGCTAATTTTGAAGAATATATTCCCTT[G>A]GATTCTGACACAGTCAGCACTACAAGATCTGGTGCTATCTTCACCAAAGCCTATCAACGA-3'
Protein context (NP_000170.1, residues 702-722): SMANFEEYIP[Leu712=]DSDTVSTTRS

ClinVar aggregate classification (germline): Benign/Likely benign. Review status: criteria provided, multiple submitters, no conflicts (2 of 4 stars). 2 submissions from 2 submitters: Benign (1); Likely benign (1). Last evaluated 2024-12-30.

Conditions:
Hereditary cancer-predisposing syndrome. Also called: Neoplastic Syndromes, Hereditary; Tumor predisposition; Hereditary Cancer Syndrome; Hereditary neoplastic syndrome. Identifiers: Orphanet 140162, MedGen C0027672, MeSH D009386, MONDO:0015356.
Lynch syndrome 5 (LYNCH5). Also called: Colorectal cancer, hereditary nonpolyposis, type 5; Hereditary non-polyposis colorectal cancer, type 5. Identifiers: Orphanet 144, MedGen C1833477, MONDO:0013710, OMIM 614350. Disease mechanism: loss of function.

Submissions (2):

Myriad Genetics, Inc.
Classification: Benign for Lynch syndrome 5. Last evaluated: 2024-12-30. Review status: criteria provided, single submitter. Criteria: Myriad Autosomal Dominant, Autosomal Recessive and X-Linked Classification Criteria (2023). Collection method: clinical testing. Allele origin: unknown.
Comment: This variant is considered benign. This variant is a silent/synonymous amino acid change and it is not expected to impact splicing.

Ambry Genetics
Classification: Likely benign for Hereditary cancer-predisposing syndrome. Last evaluated: 2021-01-17. Review status: criteria provided, single submitter. Criteria: Ambry Variant Classification Scheme 2023. Collection method: clinical testing. Allele origin: germline.